The following is an entry in ClinVar:

NM_020988.3(GNAO1):c.1008del (p.Phe336fs)

Gene: GNAO1 (G protein subunit alpha o1; plus strand). Cytogenetic location: 16q13.
Variant type: Deletion.
Coding change: c.1008del on transcript NM_020988.3 (MANE Select); coding-DNA position 1008, one base deleted (C; older notation c.1008delC).
Protein change: p.Phe336fs; shifts the reading frame from phenylalanine 336.
Molecular consequence: frameshift variant.
Genome position (GRCh38, 1-based): chr16:56,354,996, C deleted. VCF-style (leftmost placement, unchanged base first): chr16-56354995-TC-T. GRCh37 (hg19) VCF-style: chr16-56388907-TC-T.
Other names: short protein forms F336fs.
Identifiers: ClinVar variation 1712089 (VCV001712089.3), dbSNP rs2543432139, ClinGen allele CA2580091628.
Genomic context (GRCh38, chr16:56,354,995, plus strand): 5'-ACAAAGAAATATATTGTCACATGACTTGTGCCACAGACACGAATAACATCCAGGTGGTGT[TC>T]GACGCCGTCACCGACATCATCATTGCCAACAACCTCCGGGGCTGCGGCTTGTACTGACCT-3'

ClinVar aggregate classification (germline): Likely pathogenic (1 of 4 stars; one submission).

Submission:

GeneDx
Classification: Likely pathogenic. Last evaluated: 2023-05-07. Review status: criteria provided, single submitter. Criteria: GeneDx Variant Classification Process June 2021. Collection method: clinical testing. Allele origin: germline. Affected: yes.
Comment: Frameshift variant predicted to result in protein elongation, as the last 19 amino acids are replaced with 37 different amino acids; Not observed at significant frequency in large population cohorts (gnomAD); Has not been previously published as pathogenic or benign to our knowledge